The following is an entry in ClinVar:

ClinVar aggregate classification (germline): Likely pathogenic (1 of 4 stars; one submission).

Conditions:
Familial thoracic aortic aneurysm and aortic dissection (TAAD). Also called: Thoracic aortic aneurysms and dissections. Identifiers: Orphanet 91387, MedGen C4707243, MONDO:0019625.
Marfan syndrome (MFS). Also called: MARFAN SYNDROME, TYPE I; Marfan syndrome type 1; Marfan's syndrome; Marfan syndrome, classic; FBN1-Related Marfan Syndrome. Identifiers: Orphanet 284963, Orphanet 558, MedGen C0024796, MONDO:0007947, OMIM 154700.

Submission:

Labcorp Genetics (formerly Invitae), Labcorp
Classification: Likely pathogenic for Marfan syndrome; Familial thoracic aortic aneurysm and aortic dissection. Last evaluated: 2025-01-27. Review status: criteria provided, single submitter. Criteria: Invitae Variant Classification Sherloc (09022015). Collection method: clinical testing. Allele origin: germline.
Comment: This sequence change replaces aspartic acid, which is acidic and polar, with alanine, which is neutral and non-polar, at codon 2569 of the FBN1 protein (p.Asp2569Ala). This variant is not present in population databases (gnomAD no frequency). This variant has not been reported in the literature in individuals affected with FBN1-related conditions. ClinVar contains an entry for this variant (Variation ID: 2108834). Invitae Evidence Modeling of protein sequence and biophysical properties (such as structural, functional, and spatial information, amino acid conservation, physicochemical variation, residue mobility, and thermodynamic stability) indicates that this missense variant is expected to disrupt FBN1 protein function with a positive predictive value of 95%. This variant disrupts the p.Asp2569 amino acid residue in FBN1. Other variant(s) that disrupt this residue have been determined to be pathogenic (internal data). This suggests that this residue is clinically significant, and that variants that disrupt this residue are likely to be disease-causing. In summary, the currently available evidence indicates that the variant is pathogenic, but additional data are needed to prove that conclusively. Therefore, this variant has been classified as Likely Pathogenic.

NM_000138.5(FBN1):c.7706A>C (p.Asp2569Ala)

Gene: FBN1 (fibrillin 1; minus strand). Cytogenetic location: 15q21.1.
Variant type: single nucleotide variant.
Coding change: c.7706A>C on transcript NM_000138.5 (MANE Select); coding-DNA position 7706, A replaced by C.
Protein change: p.Asp2569Ala; replaces aspartic acid 2569 with alanine.
Molecular consequence: missense variant.
Genome position (GRCh38, 1-based): chr15:48,420,800, T>G on the plus strand (A>C on the coding strand, the complement: FBN1 is on the minus strand). VCF-style: chr15-48420800-T-G. GRCh37 (hg19) VCF-style: chr15-48712997-T-G.
Other names: c.7706A>C, p.Asp2569Ala (NM_001406716.1); short protein forms D2569A.
Identifiers: ClinVar variation 2108834 (VCV002108834.4), dbSNP rs2141220859, ClinGen allele CA392324843.